The following is an entry in ClinVar:

NM_000238.4(KCNH2):c.3392G>T (p.Gly1131Val)

Gene: KCNH2 (potassium voltage-gated channel subfamily H member 2; minus strand). Cytogenetic location: 7q36.1.
Variant type: single nucleotide variant.
Coding change: c.3392G>T on transcript NM_000238.4 (MANE Select); coding-DNA position 3392, G replaced by T.
Protein change: p.Gly1131Val; replaces glycine 1131 with valine.
Molecular consequence: missense variant.
Genome position (GRCh38, 1-based): chr7:150,945,453, C>A on the plus strand (G>T on the coding strand, the complement: KCNH2 is on the minus strand). VCF-style: chr7-150945453-C-A. GRCh37 (hg19) VCF-style: chr7-150642541-C-A.
Other names: c.2372G>T, p.Gly791Val (NM_172057.3); c.3392G>T (NM_000238.2); short protein forms G1131V, G791V.
Identifiers: ClinVar variation 918364 (VCV000918364.17), dbSNP rs370558996, ClinGen allele CA038878.
Genomic context (GRCh38, chr7:150,945,453, plus strand): 5'-TGCAGGGGCTGGGAGGTGAGGGCCCCCAGCTGGCCCGGTAGGGAGAGGCGTCGTGTGGGG[C>A]CTTCTTGGGGAAGCTCTGGGGCCCCCGGGGGCAGCTCCTCACACGCCATGAACTGGGAAA-3'
Protein context (NP_000229.1, residues 1121-1141): PPGAPELPQE[Gly1131Val]PTRRLSLPGQ

ClinVar aggregate classification (germline): Uncertain significance. Review status: criteria provided, multiple submitters, no conflicts (2 of 4 stars). 4 submissions from 4 submitters: Uncertain significance (4). Last evaluated 2024-04-26.

Conditions:
Cardiac arrhythmia. Also called: Arrhythmia; Cardiac rhythm disease. Identifiers: MedGen C0003811, MONDO:0007263, HP:0011675.
Long QT syndrome (LQTS). Identifiers: MedGen C0023976, MeSH D008133, MONDO:0002442. Disease mechanism: loss of function. Inheritance: Various modes of inheritance.

Allele frequency attached by ClinVar (database versions not stated): gnomAD exomes 0.00001; ExAC 0.00004; ESP Exome Variant Server 0.00008.
gnomAD v4.1: 8 of 1,561,246 alleles (0.00051%); highest among the groups gnomAD compares: Non-Finnish European, 0.00069%; no homozygotes.

Submissions (4):

GeneDx
Classification: Uncertain significance. Last evaluated: 2024-04-26. Review status: criteria provided, single submitter. Criteria: GeneDx Variant Classification Process June 2021. Collection method: clinical testing. Allele origin: germline. Affected: yes.
Comment: Not observed at significant frequency in large population cohorts (gnomAD); In silico analysis indicates that this missense variant does not alter protein structure/function; Has not been previously published as pathogenic or benign to our knowledge

Color Diagnostics, LLC DBA Color Health
Classification: Uncertain significance for Cardiac arrhythmia. Last evaluated: 2024-03-06. Review status: criteria provided, single submitter. Criteria: ACMG Guidelines, 2015. Collection method: clinical testing. Allele origin: germline.
Comment: This missense variant replaces glycine with valine at codon 1131 of the KCNH2 protein. Computational prediction is inconclusive regarding the impact of this variant on protein structure and function (internally defined REVEL score threshold 0.5 < inconclusive < 0.7, PMID: 27666373). To our knowledge, functional studies have not been reported for this variant. This variant has not been reported in individuals affected with KCNH2-related disorders in the literature. This variant has been identified in 1/166442 chromosomes in the general population by the Genome Aggregation Database (gnomAD). The available evidence is insufficient to determine the role of this variant in disease conclusively. Therefore, this variant is classified as a Variant of Uncertain Significance.

All of Us Research Program, National Institutes of Health
Classification: Uncertain significance for Long QT syndrome. Last evaluated: 2023-04-03. Review status: criteria provided, single submitter. Criteria: ACMG Guidelines, 2015. Collection method: clinical testing. Allele origin: germline. Inheritance: Autosomal dominant inheritance. Observed: 1 variant allele, 1 heterozygote.
Comment: Variant of Uncertain Significance due to insufficient evidence: This missense variant is located in the cytoplasmic domain of the KCNH2 protein. Computational prediction tools and conservation analyses are inconclusive regarding the impact of this variant on the protein function. Computational splicing tools suggest that this variant may not impact RNA splicing. To our knowledge, functional assays have not been performed for this variant nor has this variant been reported in individuals affected with cardiovascular disorders in the literature. This variant is rare in the general population and has been identified in 0/277264 chromosomes by the Genome Aggregation Database (gnomAD). Available evidence is insufficient to determine the pathogenicity of this variant conclusively.

This study involves interpretation of variants in research participants for the purpose of population health screening. Participant phenotype was not available at the time of variant classification. Additional details can be found in publication PMID: 35346344, PMCID: PMC8962531

Labcorp Genetics (formerly Invitae), Labcorp
Classification: Uncertain significance for Long QT syndrome. Last evaluated: 2021-04-16. Review status: criteria provided, single submitter. Criteria: Invitae Variant Classification Sherloc (09022015). Collection method: clinical testing. Allele origin: germline.
Comment: In summary, the available evidence is currently insufficient to determine the role of this variant in disease. Therefore, it has been classified as a Variant of Uncertain Significance. Algorithms developed to predict the effect of missense changes on protein structure and function are either unavailable or do not agree on the potential impact of this missense change (SIFT: "Tolerated"; PolyPhen-2: "Probably Damaging"; Align-GVGD: "Class C0"). This variant has not been reported in the literature in individuals with KCNH2-related conditions. ClinVar contains an entry for this variant (Variation ID: 918364). This variant is present in population databases (rs370558996, ExAC 0.01%). This sequence change replaces glycine with valine at codon 1131 of the KCNH2 protein (p.Gly1131Val). The glycine residue is weakly conserved and there is a moderate physicochemical difference between glycine and valine.